The following is an entry in ClinVar:

ClinVar aggregate classification (germline): Pathogenic (1 of 4 stars; one submission).

Conditions:
Melnick-Fraser syndrome (BOR). Also called: Branchio-oto-renal syndrome; Branchiootorenal Syndrome (BORS); Branchiootorenal syndrome. Identifiers: Orphanet 107, MedGen C0265234, MONDO:0007029.

Submission:

Labcorp Genetics (formerly Invitae), Labcorp
Classification: Pathogenic for Melnick-Fraser syndrome. Last evaluated: 2022-10-09. Review status: criteria provided, single submitter. Criteria: Invitae Variant Classification Sherloc (09022015). Collection method: clinical testing. Allele origin: germline.
Comment: This variant has not been reported in the literature in individuals affected with EYA1-related conditions. For these reasons, this variant has been classified as Pathogenic. This variant is not present in population databases (gnomAD no frequency). This sequence change creates a premature translational stop signal (p.Met362Trpfs*4) in the EYA1 gene. It is expected to result in an absent or disrupted protein product. Loss-of-function variants in EYA1 are known to be pathogenic (PMID: 10464653, 18220287).

Literature cited by the submitters: PubMed 10464653; PubMed 18220287.

NM_000503.6(EYA1):c.1084del (p.Met362fs)

Gene: EYA1 (EYA transcriptional coactivator and phosphatase 1; minus strand). Cytogenetic location: 8q13.3.
Variant type: Deletion.
Coding change: c.1084del on transcript NM_000503.6 (MANE Select); coding-DNA position 1084, one base deleted (A; older notation c.1084delA).
Protein change: p.Met362fs; shifts the reading frame from methionine 362.
Molecular consequence: frameshift variant. On other transcripts: intron variant (2).
Genome position (GRCh38, 1-based): chr8:71,244,659, T deleted on the plus strand (A on the coding strand, the reverse complement: EYA1 is on the minus strand); the first of 2 consecutive T bases (chr8:71,244,659-71,244,660); deleting either gives the same sequence. VCF-style (leftmost placement, unchanged base first): chr8-71244658-AT-A. GRCh37 (hg19) VCF-style: chr8-72156893-AT-A.
Other names: c.1066del, p.Met356fs (NM_001288574.2); c.718del, p.Met240fs (NM_001288575.2); c.1171del, p.Met391fs (NM_001370333.1); c.1084del, p.Met362fs (NM_001370334.1, NM_001370335.1, NM_172058.4); c.984delA, p.Met329Trpfs (NM_001411797.1, NM_172060.4); c.1119+25081del (NM_001370336.1); c.1122+25081del (NM_172059.5); short protein forms M240fs, M356fs, M391fs, M362fs.
Identifiers: ClinVar variation 2026323 (VCV002026323.4), dbSNP rs2537652626, ClinGen allele CA2580078917.